The following is an entry in ClinVar:

NM_002693.3(POLG):c.2902C>G (p.Gln968Glu)

Gene: POLG (DNA polymerase gamma, catalytic subunit; minus strand). Cytogenetic location: 15q26.1.
Variant type: single nucleotide variant.
Coding change: c.2902C>G on transcript NM_002693.3 (MANE Select); coding-DNA position 2902, C replaced by G.
Protein change: p.Gln968Glu; replaces glutamine 968 with glutamic acid.
Molecular consequence: missense variant.
Genome position (GRCh38, 1-based): chr15:89,320,845, G>C on the plus strand (C>G on the coding strand, the complement: POLG is on the minus strand). VCF-style: chr15-89320845-G-C. GRCh37 (hg19) VCF-style: chr15-89864076-G-C.
Other names: c.2902C>G, p.Gln968Glu (NM_001126131.2); short protein forms Q968E.
Identifiers: ClinVar variation 3339756 (VCV003339756.2).

ClinVar aggregate classification (germline): Conflicting classifications of pathogenicity. Review status: criteria provided, conflicting classifications (1 of 4 stars). 2 submissions from 2 submitters: Likely pathogenic (1); Uncertain significance (1). Last evaluated 2024-06-05.

Conditions:
Progressive sclerosing poliodystrophy (MTDPS4A). Also called: Mitochondrial DNA Depletion Syndrome 4A; ALPERS PROGRESSIVE INFANTILE POLIODYSTROPHY; NEURONAL DEGENERATION OF CHILDHOOD WITH LIVER DISEASE, PROGRESSIVE; Alpers Syndrome; ALPERS DIFFUSE DEGENERATION OF CEREBRAL GRAY MATTER WITH HEPATIC CIRRHOSIS; Alpers-Huttenlocher Syndrome. Identifiers: Orphanet 726, MedGen C0205710, MONDO:0008758, OMIM 203700.
Progressive external ophthalmoplegia with mitochondrial DNA deletions, autosomal dominant 1 (PEOA1). Also called: Autosomal Dominant Progressive External Ophthalmoplegia (adPEO); PROGRESSIVE EXTERNAL OPHTHALMOPLEGIA, AUTOSOMAL DOMINANT 1. Identifiers: MedGen C1834846, MONDO:0024528, OMIM 157640.
Progressive external ophthalmoplegia with mitochondrial DNA deletions, autosomal recessive 1 (PEOB1). Also called: Progressive external ophthalmoplegia, autosomal recessive 1; Autosomal Recessive Progressive External Ophthalmoplegia (arPEO). Identifiers: Orphanet 254886, MedGen C4225153, MONDO:0009783, OMIM 258450.
Sensory ataxic neuropathy, dysarthria, and ophthalmoparesis (SANDO). Also called: Epilepsy, progressive myoclonic, type 5; SENSORY ATAXIC NEUROPATHY WITH MITOCHONDRIAL DNA DELETIONS, AUTOSOMAL RECESSIVE; Ataxia Neuropathy Spectrum (ANS); Sensory ataxic neuropathy-dysarthria-ophthalmoparesis syndrome. Identifiers: Orphanet 70595, MedGen C1843851, MONDO:0011835, OMIM 607459.
Mitochondrial DNA depletion syndrome 4b. Also called: Mitochondrial Neurogastrointestinal Encephalopathy Disease, POLG-Related; MNGIE, POLG-RELATED. Identifiers: Orphanet 298, MedGen C3150914, MONDO:0013350, OMIM 613662.

Submissions (2):

Fulgent Genetics
Classification: Likely pathogenic for Progressive external ophthalmoplegia with mitochondrial DNA deletions, autosomal dominant 1; Progressive sclerosing poliodystrophy; Progressive external ophthalmoplegia with mitochondrial DNA deletions, autosomal recessive 1; Sensory ataxic neuropathy, dysarthria, and ophthalmoparesis; Mitochondrial DNA depletion syndrome 4b. Last evaluated: 2024-06-05. Review status: criteria provided, single submitter. Criteria: ACMG Guidelines, 2015. Collection method: clinical testing. Allele origin: germline.

Women's Health and Genetics/Laboratory Corporation of America, LabCorp
Classification: Uncertain significance. Last evaluated: 2024-06-03. Review status: criteria provided, single submitter. Criteria: LabCorp Variant Classification Summary - May 2015. Collection method: clinical testing. Allele origin: germline.
Comment: Variant summary: POLG c.2902C>G (p.Gln968Glu) results in a conservative amino acid change located in the DNA-directed DNA polymerase, family A, palm domain (IPR001098) of the encoded protein sequence. Four of five in-silico tools predict a damaging effect of the variant on protein function. The variant was absent in 251206 control chromosomes. The available data on variant occurrences in the general population are insufficient to allow any conclusion about variant significance. c.2902C>G has been reported in the literature in the compound heterozygous state in at least 1 individual affected with Mitochondrial DNA Depletion Syndrome - POLG Related (example, Kaliszewska_2015, Kierdaszuk_2020, Piekutowska-Abramczuk_2019). These data do not allow any conclusion about variant significance in POLG-related conditions. To our knowledge, no experimental evidence demonstrating an impact on protein function has been reported. The following publications have been ascertained in the context of this evaluation (PMID: 26077851, 33396418, 30423451). No submitters have cited clinical-significance assessments for this variant to ClinVar. Based on the evidence outlined above, the variant was classified as uncertain significance.

Literature cited by the submitters: PubMed 33396418 (cited by Women's Health and Genetics/Laboratory Corporation of America, LabCorp); PubMed 30423451 (cited by Women's Health and Genetics/Laboratory Corporation of America, LabCorp); PubMed 26077851 (cited by Women's Health and Genetics/Laboratory Corporation of America, LabCorp).